The following is an entry in ClinVar:

NM_175875.5(SIX5):c.45G>C (p.Gly15=)

Genes: SIX5 (SIX homeobox 5; minus strand), DM1-AS (DM1 locus antisense RNA; plus strand), LOC107075317 (origin of replication in DMPK trinucleotide repeat region; plus strand). Cytogenetic location: 19q13.32.
Variant type: single nucleotide variant.
Coding change: c.45G>C on transcript NM_175875.5 (MANE Select); coding-DNA position 45, G replaced by C.
Protein change: p.Gly15=; no amino-acid change (glycine 15 retained).
Molecular consequence: synonymous variant.
Genome position (GRCh38, 1-based): chr19:45,768,800, C>G on the plus strand (G>C on the coding strand, the complement: SIX5 is on the minus strand). VCF-style: chr19-45768800-C-G. GRCh37 (hg19) VCF-style: chr19-46272058-C-G.
Other names: c.45G>C (NM_175875.4).
Identifiers: ClinVar variation 2918662 (VCV002918662.6), dbSNP rs546371671, ClinGen allele CA309001838.
Genomic context (GRCh38, chr19:45,768,800, plus strand): 5'-GAGCTGGCGCGCTTCCTCCTCCTCCTCTTCGGTCGCCGCCGCCGCCGCCACCGCCTCCCC[C>G]CCAGCCGCCGGCCCCGCGCTCGGCTCCGCAGGCAAGGTAGCCATGTTTTGCAACTTTGGG-3'
Protein context (NP_787071.3, residues 5-25): PAEPSAGPAA[Gly15=]GEAVAAAAAT

ClinVar aggregate classification (germline): Likely benign. Review status: criteria provided, multiple submitters, no conflicts (2 of 4 stars). 3 submissions from 3 submitters: Likely benign (2). 1 of the submissions does not count toward it. Last evaluated 2026-01-28.

Conditions:
SIX5-related disorder. Also called: SIX5-related condition.

Allele frequency attached by ClinVar (database versions not stated): 1000 Genomes Project 30x 0.00016.
gnomAD v4.1: 90 of 1,530,184 alleles (0.0059%); highest among the groups gnomAD compares: Middle Eastern, 0.058%; no homozygotes.

Submissions (3):

Labcorp Genetics (formerly Invitae), Labcorp
Classification: Likely benign. Last evaluated: 2026-01-28. Review status: criteria provided, single submitter. Criteria: Invitae Variant Classification Sherloc (09022015). Collection method: clinical testing. Allele origin: germline.

Blueprint Genetics
Classification: Likely benign. Last evaluated: 2024-11-18. Review status: criteria provided, single submitter. Criteria: ACMG Guidelines, 2015. Collection method: clinical testing. Allele origin: germline.

PreventionGenetics, part of Exact Sciences
Classification: Likely benign for SIX5-related condition. Last evaluated: 2021-09-08. Review status: no assertion criteria provided. Collection method: clinical testing. Allele origin: germline. Not counted in ClinVar's aggregate classification.
Comment: This variant is classified as likely benign based on ACMG/AMP sequence variant interpretation guidelines (Richards et al. 2015 PMID: 25741868, with internal and published modifications).